The following is an entry in ClinVar:

NC_000022.10:g.(?_18561143)_(18613903_?)del

Genes: PEX26 (peroxisomal biogenesis factor 26; plus strand), TUBA8 (tubulin alpha 8; plus strand). Cytogenetic location: 22q11.21.
Variant type: Deletion.
Identifiers: ClinVar variation 1450403 (VCV001450403.37).

ClinVar aggregate classification (germline): Pathogenic (1 of 4 stars; one submission).

Conditions:
Peroxisome biogenesis disorder 7A (Zellweger). Also called: Peroxisome biogenesis disorder 7A. Identifiers: Orphanet 912, MedGen C3888385, MONDO:0013938, OMIM 614872.
Peroxisome biogenesis disorder 7B (PBD7B). Identifiers: Orphanet 44, MedGen C3553951, MONDO:0013939, OMIM 614873.

Submission:

Labcorp Genetics (formerly Invitae), Labcorp
Classification: Pathogenic for Peroxisome biogenesis disorder 7A (Zellweger); Peroxisome biogenesis disorder 7B. Last evaluated: 2022-10-19. Review status: criteria provided, single submitter. Criteria: Invitae Variant Classification Sherloc (09022015). Collection method: clinical testing. Allele origin: germline.
Comment: A gross deletion of the genomic region encompassing the full coding sequence of the PEX26 gene has been identified. Loss-of-function variants in PEX26 are known to be pathogenic (PMID: 12851857, 21031596). The boundaries of this event are unknown as they extend beyond the assayed region for this gene and therefore may encompass additional genes. This variant has not been reported in the literature in individuals affected with PEX26-related conditions. For these reasons, this variant has been classified as Pathogenic.

Literature cited by the submitters: PubMed 12851857; PubMed 21031596.